The following is an entry in ClinVar:

ClinVar aggregate classification (germline): Uncertain significance (1 of 4 stars; one submission).

Submission:

Labcorp Genetics (formerly Invitae), Labcorp
Classification: Uncertain significance. Last evaluated: 2025-01-29. Review status: criteria provided, single submitter. Criteria: Invitae Variant Classification Sherloc (09022015). Collection method: clinical testing. Allele origin: germline.
Comment: This sequence change falls in intron 28 of the AP3D1 gene. It does not directly change the encoded amino acid sequence of the AP3D1 protein. It affects a nucleotide within the consensus splice site. This variant is not present in population databases (gnomAD no frequency). This variant has not been reported in the literature in individuals affected with AP3D1-related conditions. Variants that disrupt the consensus splice site are a relatively common cause of aberrant splicing (PMID: 17576681, 9536098). Algorithms developed to predict the effect of sequence changes on RNA splicing suggest that this variant is not likely to affect RNA splicing. In summary, the available evidence is currently insufficient to determine the role of this variant in disease. Therefore, it has been classified as a Variant of Uncertain Significance.

Literature cited by the submitters: PubMed 17576681; PubMed 9536098.

NM_001261826.3(AP3D1):c.3265-3C>T

Gene: AP3D1 (adaptor related protein complex 3 subunit delta 1; minus strand). Cytogenetic location: 19p13.3.
Variant type: single nucleotide variant.
Coding change: c.3265-3C>T on transcript NM_001261826.3 (MANE Select); 3 bases into the intron before coding-DNA position 3265, C replaced by T.
Molecular consequence: intron variant.
Genome position (GRCh38, 1-based): chr19:2,109,961, G>A on the plus strand (C>T on the coding strand, the complement: AP3D1 is on the minus strand). VCF-style: chr19-2109961-G-A. GRCh37 (hg19) VCF-style: chr19-2109960-G-A.
Other names: c.3079-3C>T (NM_003938.8); c.3229-3C>T (NM_001374799.1).
Identifiers: ClinVar variation 3613291 (VCV003613291.2).